The following is an entry in ClinVar:

ClinVar aggregate classification (germline): Likely benign (0 of 4 stars; one submission).

Conditions:
ADAMTS9-related disorder. Also called: ADAMTS9-related condition.

gnomAD v4.1: 35 of 1,614,048 alleles (0.0022%); highest among the groups gnomAD compares: East Asian, 0.0089%; no homozygotes.

Submission:

PreventionGenetics, part of Exact Sciences
Classification: Likely benign for ADAMTS9-related condition. Last evaluated: 2019-05-27. Review status: no assertion criteria provided. Collection method: clinical testing. Allele origin: germline.
Comment: This variant is classified as likely benign based on ACMG/AMP sequence variant interpretation guidelines (Richards et al. 2015 PMID: 25741868, with internal and published modifications).

NM_182920.2(ADAMTS9):c.5463C>T (p.Ala1821=)

Genes: ADAMTS9 (ADAM metallopeptidase with thrombospondin type 1 motif 9; minus strand), LOC126806704 (BRD4-independent group 4 enhancer GRCh37_chr3:64526487-64527686; plus strand). Cytogenetic location: 3p14.1.
Variant type: single nucleotide variant.
Coding change: c.5463C>T on transcript NM_182920.2 (MANE Select); coding-DNA position 5463, C replaced by T.
Protein change: p.Ala1821=; no amino-acid change (alanine 1821 retained).
Molecular consequence: synonymous variant.
Genome position (GRCh38, 1-based): chr3:64,541,153, G>A on the plus strand (C>T on the coding strand, the complement: ADAMTS9 is on the minus strand). VCF-style: chr3-64541153-G-A. GRCh37 (hg19) VCF-style: chr3-64526829-G-A.
Other names: c.5379C>T, p.Ala1793= (NM_001318781.2).
Identifiers: ClinVar variation 3350321 (VCV003350321.1).